The following is an entry in ClinVar:

ClinVar aggregate classification (germline): Uncertain significance. Review status: criteria provided, multiple submitters, no conflicts (2 of 4 stars). 2 submissions from 2 submitters: Uncertain significance (2). Last evaluated 2024-07-07.

Conditions:
Inborn genetic diseases. Identifiers: MedGen C0950123, MeSH D030342.
Primary ciliary dyskinesia 33. Also called: CILIARY DYSKINESIA, PRIMARY, 33, WITHOUT SITUS INVERSUS. Identifiers: Orphanet 244, MedGen C4225230, MONDO:0014750, OMIM 616726.

Allele frequency attached by ClinVar (database versions not stated): ExAC 0.00015; 1000 Genomes Project 0.00020; 1000 Genomes Project 30x 0.00031; gnomAD 0.00003; TOPMed 0.00006; gnomAD exomes 0.00007 and 0.00014.
gnomAD v4.1: 46 of 1,613,968 alleles (0.0029%); highest among the groups gnomAD compares: Admixed American, 0.065%; no homozygotes.

Submissions (2):

Ambry Genetics
Classification: Uncertain significance for Inborn genetic diseases. Last evaluated: 2024-07-07. Review status: criteria provided, single submitter. Criteria: Ambry Variant Classification Scheme 2023. Collection method: clinical testing. Allele origin: germline.

Labcorp Genetics (formerly Invitae), Labcorp
Classification: Uncertain significance for Primary ciliary dyskinesia 33. Last evaluated: 2022-07-06. Review status: criteria provided, single submitter. Criteria: Invitae Variant Classification Sherloc (09022015). Collection method: clinical testing. Allele origin: germline.
Comment: This sequence change replaces arginine, which is basic and polar, with cysteine, which is neutral and slightly polar, at codon 278 of the GAS8 protein (p.Arg278Cys). This variant is present in population databases (rs201993896, gnomAD 0.1%). This variant has not been reported in the literature in individuals affected with GAS8-related conditions. ClinVar contains an entry for this variant (Variation ID: 475569). Algorithms developed to predict the effect of missense changes on protein structure and function are either unavailable or do not agree on the potential impact of this missense change (SIFT: "Deleterious"; PolyPhen-2: "Probably Damaging"; Align-GVGD: "Class C15"). In summary, the available evidence is currently insufficient to determine the role of this variant in disease. Therefore, it has been classified as a Variant of Uncertain Significance.

NM_001481.3(DRC4):c.832C>T (p.Arg278Cys)

Gene: DRC4 (dynein regulatory complex subunit 4; plus strand). Cytogenetic location: 16q24.3.
Variant type: single nucleotide variant.
Coding change: c.832C>T on transcript NM_001481.3 (MANE Select); coding-DNA position 832, C replaced by T.
Protein change: p.Arg278Cys; replaces arginine 278 with cysteine.
Molecular consequence: missense variant.
Genome position (GRCh38, 1-based): chr16:90,037,307, C>T. VCF-style: chr16-90037307-C-T. GRCh37 (hg19) VCF-style: chr16-90103715-C-T.
Other names: c.583C>T, p.Arg195Cys (NM_001286205.2); c.256C>T, p.Arg86Cys (NM_001286208.2); c.757C>T, p.Arg253Cys (NM_001286209.2); short protein forms R278C, R253C, R195C, R86C.
Identifiers: ClinVar variation 475569 (VCV000475569.8), dbSNP rs201993896, ClinGen allele CA8257993.